The following is an entry in ClinVar:

NM_000038.6(APC):c.3987C>A (p.His1329Gln)

Gene: APC (APC regulator of Wnt signaling pathway; plus strand). Cytogenetic location: 5q22.2.
Variant type: single nucleotide variant.
Coding change: c.3987C>A on transcript NM_000038.6 (MANE Select); coding-DNA position 3987, C replaced by A.
Protein change: p.His1329Gln; replaces histidine 1329 with glutamine.
Molecular consequence: missense variant. On other transcripts: non-coding transcript variant (2).
Genome position (GRCh38, 1-based): chr5:112,839,581, C>A. VCF-style: chr5-112839581-C-A. GRCh37 (hg19) VCF-style: chr5-112175278-C-A.
Other names: c.3987C>A, p.His1329Gln (NM_001127510.3, NM_001354895.2, NM_001407450.1); c.3933C>A, p.His1311Gln (NM_001127511.3); c.4041C>A, p.His1347Gln (NM_001354896.2, NM_001407447.1, NM_001407448.1 and 1 more transcripts); c.4017C>A, p.His1339Gln (NM_001354897.2); c.3912C>A, p.His1304Gln (NM_001354898.2); c.3903C>A, p.His1301Gln (NM_001354899.2); c.3864C>A, p.His1288Gln (NM_001354900.2); c.3810C>A, p.His1270Gln (NM_001354901.2, NM_001407453.1); and 11 more; short protein forms H1200Q, H1246Q, H1270Q, H1311Q, H1329Q, H1357Q, H945Q, H1169Q.
Identifiers: ClinVar variation 3882649 (VCV003882649.1).

ClinVar aggregate classification (germline): Uncertain significance (1 of 4 stars; one submission).

Conditions:
Hereditary cancer-predisposing syndrome. Also called: Tumor predisposition; Neoplastic Syndromes, Hereditary; Hereditary Cancer Syndrome; Hereditary neoplastic syndrome. Identifiers: Orphanet 140162, MedGen C0027672, MeSH D009386, MONDO:0015356.

Submission:

Ambry Genetics
Classification: Uncertain significance for Hereditary cancer-predisposing syndrome. Last evaluated: 2025-02-28. Review status: criteria provided, single submitter. Criteria: Ambry Variant Classification Scheme 2023. Collection method: clinical testing. Allele origin: germline.
Comment: The p.H1329Q variant (also known as c.3987C>A), located in coding exon 15 of the APC gene, results from a C to A substitution at nucleotide position 3987. The histidine at codon 1329 is replaced by glutamine, an amino acid with highly similar properties. This amino acid position is conserved. In addition, in silico predictors for this gene do not accurately predict pathogenicity. Based on the available evidence, the clinical significance of this variant remains unclear.